The following is an entry in ClinVar:

ClinVar aggregate classification (germline): Likely pathogenic (1 of 4 stars; one submission).

Conditions:
Marfan Syndrome/Loeys-Dietz Syndrome/Familial Thoracic Aortic Aneurysms and Dissections. Identifiers: MedGen CN229799.

Submission:

Women's Health and Genetics/Laboratory Corporation of America, LabCorp
Classification: Likely pathogenic for Marfan Syndrome/Loeys-Dietz Syndrome/Familial Thoracic Aortic Aneurysms and Dissections. Last evaluated: 2018-09-04. Review status: criteria provided, single submitter. Criteria: LabCorp Variant Classification Summary - May 2015. Collection method: clinical testing. Allele origin: germline.
Comment: Variant summary: FBN1 c.8359_8360dupCT (p.Thr2788X) results in a premature termination codon, predicted to cause a truncation of the encoded protein or absence of the protein due to nonsense mediated decay, which are commonly known mechanisms for disease. Truncations downstream of this position have been classified as likely pathogenic by our laboratory (e.g., c.8391_8392delTG, p.Gly2798fsX2 and c.8443delC, p.Leu2815fsX31). The variant was absent in 246190 control chromosomes (gnomAD). To our knowledge, no occurrence of c.8359_8360dupCT in individuals affected with Marfan Syndrome and no experimental evidence demonstrating its impact on protein function have been reported. No clinical diagnostic laboratories have submitted clinical-significance assessments for this variant to ClinVar after 2014. Based on the evidence outlined above, the variant was classified as likely pathogenic.

NM_000138.5(FBN1):c.8359_8360dup (p.Leu2787_Thr2788insTer)

Gene: FBN1 (fibrillin 1; minus strand). Cytogenetic location: 15q21.1.
Variant type: Microsatellite.
Coding change: c.8359_8360dup on transcript NM_000138.5 (MANE Select); coding-DNA positions 8359 to 8360, 2 bases duplicated (CT; older notation c.8359_8360dupCT).
Protein change: p.Leu2787_Thr2788insTer.
Molecular consequence: frameshift variant.
Genome position (GRCh38, 1-based): chr15:48,411,246-48,411,247, AG duplicated on the plus strand (CT on the coding strand, the reverse complement: FBN1 is on the minus strand); duplicating any 2 consecutive bases within chr15:48,411,246-48,411,249 gives the same sequence; the c. name uses the placement nearest the transcript's 3' end. VCF-style (leftmost placement, unchanged base first): chr15-48411245-C-CAG. GRCh37 (hg19) VCF-style: chr15-48703442-C-CAG.
Other names: c.8359_8360dupCT (NM_000138.4).
Identifiers: ClinVar variation 632812 (VCV000632812.1), dbSNP rs1597506811, ClinGen allele CA913191258.